The following is an entry in ClinVar:

ClinVar aggregate classification (germline): Uncertain significance (1 of 4 stars; one submission).

Allele frequency attached by ClinVar (database versions not stated): gnomAD exomes below 0.00001; gnomAD 0.00001; TOPMed 0.00001; ExAC 0.00002.
gnomAD v4.1: 8 of 1,613,330 alleles (0.0005%); highest among the groups gnomAD compares: Admixed American, 0.0067%; no homozygotes.

Submission:

Labcorp Genetics (formerly Invitae), Labcorp
Classification: Uncertain significance. Last evaluated: 2022-05-19. Review status: criteria provided, single submitter. Criteria: Invitae Variant Classification Sherloc (09022015). Collection method: clinical testing. Allele origin: germline.
Comment: This variant has not been reported in the literature in individuals affected with SIPA1L3-related conditions. This variant is present in population databases (rs767194859, gnomAD 0.003%). This sequence change replaces arginine, which is basic and polar, with glutamine, which is neutral and polar, at codon 1497 of the SIPA1L3 protein (p.Arg1497Gln). Algorithms developed to predict the effect of missense changes on protein structure and function are either unavailable or do not agree on the potential impact of this missense change (SIFT: "Deleterious"; PolyPhen-2: "Probably Damaging"; Align-GVGD: "Class C0"). In summary, the available evidence is currently insufficient to determine the role of this variant in disease. Therefore, it has been classified as a Variant of Uncertain Significance.

NM_015073.3(SIPA1L3):c.4490G>A (p.Arg1497Gln)

Gene: SIPA1L3 (signal induced proliferation associated 1 like 3; plus strand). Cytogenetic location: 19q13.13.
Variant type: single nucleotide variant.
Coding change: c.4490G>A on transcript NM_015073.3 (MANE Select); coding-DNA position 4490, G replaced by A.
Protein change: p.Arg1497Gln; replaces arginine 1497 with glutamine.
Molecular consequence: missense variant.
Genome position (GRCh38, 1-based): chr19:38,192,204, G>A. VCF-style: chr19-38192204-G-A. GRCh37 (hg19) VCF-style: chr19-38682844-G-A.
Other names: short protein forms R1497Q.
Identifiers: ClinVar variation 1962188 (VCV001962188.5), dbSNP rs767194859, ClinGen allele CA9410365.
Genomic context (GRCh38, chr19:38,192,204, plus strand): 5'-GGCAGGTGGACACGAACACCAAAAATGTCTTTGGGCAACCGAGGTTGAGGGCATCCCTCC[G>A]AGACCTCCGGTCACCACGGAAGAACTACAAATCCACCATCGAGGATGACCTGAAGAAACT-3'
Protein context (NP_055888.1, residues 1487-1507): FGQPRLRASL[Arg1497Gln]DLRSPRKNYK